The following is an entry in ClinVar:

NM_004364.5(CEBPA):c.621G>C (p.Gln207His)

Gene: CEBPA (CCAAT enhancer binding protein alpha; minus strand). Cytogenetic location: 19q13.11.
Variant type: single nucleotide variant.
Coding change: c.621G>C on transcript NM_004364.5 (MANE Select); coding-DNA position 621, G replaced by C.
Protein change: p.Gln207His; replaces glutamine 207 with histidine.
Molecular consequence: missense variant.
Genome position (GRCh38, 1-based): chr19:33,301,794, C>G on the plus strand (G>C on the coding strand, the complement: CEBPA is on the minus strand). VCF-style: chr19-33301794-C-G. GRCh37 (hg19) VCF-style: chr19-33792700-C-G.
Other names: c.264G>C, p.Gln88His (NM_001285829.2); c.726G>C, p.Gln242His (NM_001287424.2); c.579G>C, p.Gln193His (NM_001287435.2); short protein forms Q207H, Q88H, Q193H, Q242H.
Identifiers: ClinVar variation 3489909 (VCV003489909.1).

ClinVar aggregate classification (germline): Uncertain significance (1 of 4 stars; one submission).

Conditions:
Inborn genetic diseases. Identifiers: MedGen C0950123, MeSH D030342.

Submission:

Ambry Genetics
Classification: Uncertain significance for Inborn genetic diseases. Last evaluated: 2024-10-15. Review status: criteria provided, single submitter. Criteria: Ambry Variant Classification Scheme 2023. Collection method: clinical testing. Allele origin: germline.
Comment: The p.Q207H variant (also known as c.621G>C), located in coding exon 1 of the CEBPA gene, results from a G to C substitution at nucleotide position 621. The glutamine at codon 207 is replaced by histidine, an amino acid with highly similar properties. This amino acid position is conserved. In addition, this alteration is predicted to be tolerated by in silico analysis. Based on the available evidence, the clinical significance of this variant remains unclear.